The following is an entry in ClinVar:

ClinVar aggregate classification (germline): Uncertain significance (1 of 4 stars; one submission).

Allele frequency attached by ClinVar (database versions not stated): TOPMed below 0.00001; gnomAD 0.00001.
gnomAD v4.1: 21 of 1,613,426 alleles (0.0013%); highest among the groups gnomAD compares: Non-Finnish European, 0.0018%; no homozygotes.

Submission:

GeneDx
Classification: Uncertain significance. Last evaluated: 2023-02-03. Review status: criteria provided, single submitter. Criteria: GeneDx Variant Classification Process June 2021. Collection method: clinical testing. Allele origin: germline. Affected: yes.
Comment: Not observed at significant frequency in large population cohorts (gnomAD); In silico analysis supports that this missense variant has a deleterious effect on protein structure/function; Has not been previously published as pathogenic or benign to our knowledge

NM_058004.4(PI4KA):c.4765G>T (p.Ala1589Ser)

Gene: PI4KA (phosphatidylinositol 4-kinase alpha; minus strand). Cytogenetic location: 22q11.21.
Variant type: single nucleotide variant.
Coding change: c.4765G>T on transcript NM_058004.4 (MANE Select); coding-DNA position 4765, G replaced by T.
Protein change: p.Ala1589Ser; replaces alanine 1589 with serine.
Molecular consequence: missense variant.
Genome position (GRCh38, 1-based): chr22:20,727,782, C>A on the plus strand (G>T on the coding strand, the complement: PI4KA is on the minus strand). VCF-style: chr22-20727782-C-A. GRCh37 (hg19) VCF-style: chr22-21082070-C-A.
Other names: c.4699G>T, p.Ala1567Ser (NM_001362863.2); c.4672G>T, p.Ala1558Ser (NM_001362862.2); short protein forms A1558S, A1567S, A1589S.
Identifiers: ClinVar variation 2574878 (VCV002574878.1), dbSNP rs965954272, ClinGen allele CA322250289.